The following is an entry in ClinVar:

ClinVar aggregate classification (germline): Uncertain significance (1 of 4 stars; one submission).

gnomAD v4.1: 8 of 1,614,028 alleles (0.0005%); highest among the groups gnomAD compares: African/African-American, 0.0053%; no homozygotes.

Submission:

Labcorp Genetics (formerly Invitae), Labcorp
Classification: Uncertain significance. Last evaluated: 2024-10-10. Review status: criteria provided, single submitter. Criteria: Invitae Variant Classification Sherloc (09022015). Collection method: clinical testing. Allele origin: germline.
Comment: This sequence change replaces aspartic acid, which is acidic and polar, with glutamic acid, which is acidic and polar, at codon 311 of the PRPF4 protein (p.Asp311Glu). This variant is present in population databases (rs561639600, gnomAD 0.008%). This variant has not been reported in the literature in individuals affected with PRPF4-related conditions. An algorithm developed to predict the effect of missense changes on protein structure and function outputs the following: PolyPhen-2: "Benign". The glutamic acid amino acid residue is found in multiple mammalian species, which suggests that this missense change does not adversely affect protein function. In summary, the available evidence is currently insufficient to determine the role of this variant in disease. Therefore, it has been classified as a Variant of Uncertain Significance.

NM_001244926.2(PRPF4):c.930C>A (p.Asp310Glu)

Gene: PRPF4 (pre-mRNA splicing tri-snRNP complex factor PRPF4; plus strand). Cytogenetic location: 9q32.
Variant type: single nucleotide variant.
Coding change: c.930C>A on transcript NM_001244926.2 (MANE Select); coding-DNA position 930, C replaced by A.
Protein change: p.Asp310Glu; replaces aspartic acid 310 with glutamic acid.
Molecular consequence: missense variant. On other transcripts: non-coding transcript variant (2).
Genome position (GRCh38, 1-based): chr9:113,286,826, C>A. VCF-style: chr9-113286826-C-A. GRCh37 (hg19) VCF-style: chr9-116049106-C-A.
Other names: c.204C>A, p.Asp68Glu (NM_001322266.2, NM_001322267.2); c.933C>A, p.Asp311Glu (NM_004697.5); short protein forms D310E, D311E, D68E.
Identifiers: ClinVar variation 3614796 (VCV003614796.2).